The following is an entry in ClinVar:

ClinVar aggregate classification (germline): Uncertain significance (1 of 4 stars; one submission).

Allele frequency attached by ClinVar (database versions not stated): gnomAD exomes below 0.00001; ExAC 0.00001.
gnomAD v4.1: 1 of 1,614,178 alleles (0.000062%); highest among the groups gnomAD compares: East Asian, 0.0022%; no homozygotes.

Submission:

GeneDx
Classification: Uncertain significance. Last evaluated: 2022-02-07. Review status: criteria provided, single submitter. Criteria: GeneDx Variant Classification Process June 2021. Collection method: clinical testing. Allele origin: germline. Affected: yes.
Comment: Has not been previously published as pathogenic or benign to our knowledge; In silico analysis supports that this missense variant does not alter protein structure/function

NM_015046.7(SETX):c.4723G>C (p.Asp1575His)

Gene: SETX (senataxin; minus strand). Cytogenetic location: 9q34.13.
Variant type: single nucleotide variant.
Coding change: c.4723G>C on transcript NM_015046.7 (MANE Select); coding-DNA position 4723, G replaced by C.
Protein change: p.Asp1575His; replaces aspartic acid 1575 with histidine.
Molecular consequence: missense variant.
Genome position (GRCh38, 1-based): chr9:132,326,875, C>G on the plus strand (G>C on the coding strand, the complement: SETX is on the minus strand). VCF-style: chr9-132326875-C-G. GRCh37 (hg19) VCF-style: chr9-135202262-C-G.
Other names: c.4723G>C, p.Asp1575His (NM_001351527.2, NM_001351528.2); short protein forms D1575H.
Identifiers: ClinVar variation 1700555 (VCV001700555.2), dbSNP rs781383567, ClinGen allele CA5297144.